The following is an entry in ClinVar:

NM_001330691.3(CEP78):c.1667A>G (p.Asp556Gly)

Gene: CEP78 (centrosomal protein 78; plus strand). Cytogenetic location: 9q21.2.
Variant type: single nucleotide variant.
Coding change: c.1667A>G on transcript NM_001330691.3 (MANE Select); coding-DNA position 1667, A replaced by G.
Protein change: p.Asp556Gly; replaces aspartic acid 556 with glycine.
Molecular consequence: missense variant.
Genome position (GRCh38, 1-based): chr9:78,265,413, A>G. VCF-style: chr9-78265413-A-G. GRCh37 (hg19) VCF-style: chr9-80880329-A-G.
Other names: c.1670A>G, p.Asp557Gly (NM_001098802.3, NM_001349839.2, NM_001349840.2 and 1 more transcripts); c.1667A>G, p.Asp556Gly (NM_001330693.3, NM_001330694.2, NM_001349838.2); short protein forms D557G, D556G.
Identifiers: ClinVar variation 2013967 (VCV002013967.4), dbSNP rs2489534563, ClinGen allele CA373865816.
Genomic context (GRCh38, chr9:78,265,413, plus strand): 5'-CTTTTCTTCTCTCGACCAGGCTTGGGCAGCTTGCCACAATGGCTGGGATAGATCAGTCAG[A>G]TTTTCAATTACTAGGTCATCCCCAGATGACTTCTACTGTTAGTAATCCACCTAAAGAAGA-3'
Protein context (NP_001317620.1, residues 546-566): LATMAGIDQS[Asp556Gly]FQLLGHPQMT

ClinVar aggregate classification (germline): Uncertain significance (1 of 4 stars; one submission).

Allele frequency attached by ClinVar (database versions not stated): gnomAD exomes below 0.00001.
gnomAD v4.1: 2 of 1,606,666 alleles (0.00012%); highest among the groups gnomAD compares: Admixed American, 0.0034%; no homozygotes.

Submission:

Labcorp Genetics (formerly Invitae), Labcorp
Classification: Uncertain significance. Last evaluated: 2022-07-04. Review status: criteria provided, single submitter. Criteria: Invitae Variant Classification Sherloc (09022015). Collection method: clinical testing. Allele origin: germline.
Comment: In summary, the available evidence is currently insufficient to determine the role of this variant in disease. Therefore, it has been classified as a Variant of Uncertain Significance. Algorithms developed to predict the effect of missense changes on protein structure and function are either unavailable or do not agree on the potential impact of this missense change (SIFT: "Tolerated"; PolyPhen-2: "Probably Damaging"; Align-GVGD: "Class C0"). This variant has not been reported in the literature in individuals affected with CEP78-related conditions. This variant is not present in population databases (gnomAD no frequency). This sequence change replaces aspartic acid, which is acidic and polar, with glycine, which is neutral and non-polar, at codon 557 of the CEP78 protein (p.Asp557Gly).